The following is an entry in ClinVar:

NM_152564.5(VPS13B):c.6572C>T (p.Ala2191Val)

Gene: VPS13B (vacuolar protein sorting 13 homolog B; plus strand). Cytogenetic location: 8q22.2.
Variant type: single nucleotide variant.
Coding change: c.6572C>T on transcript NM_152564.5 (MANE Select); coding-DNA position 6572, C replaced by T.
Protein change: p.Ala2191Val; replaces alanine 2191 with valine.
Molecular consequence: missense variant.
Genome position (GRCh38, 1-based): chr8:99,717,288, C>T. VCF-style: chr8-99717288-C-T. GRCh37 (hg19) VCF-style: chr8-100729516-C-T.
Other names: c.6647C>T (NM_017890.3); c.6647C>T, p.Ala2216Val (NM_017890.5); short protein forms A2191V, A2216V.
Identifiers: ClinVar variation 3355497 (VCV003355497.2).

ClinVar aggregate classification (germline): Uncertain significance. Review status: criteria provided, single submitter (1 of 4 stars). 2 submissions from 2 submitters: Uncertain significance (1). 1 of the submissions does not count toward it. Last evaluated 2025-11-13.

Conditions:
Inborn genetic diseases. Identifiers: MedGen C0950123, MeSH D030342.
VPS13B-related disorder. Also called: VPS13B-related condition.

gnomAD v4.1: 7 of 1,613,996 alleles (0.00043%); highest among the groups gnomAD compares: Admixed American, 0.0033%; no homozygotes.

Submissions (2):

Ambry Genetics
Classification: Uncertain significance for Inborn genetic diseases. Last evaluated: 2025-11-13. Review status: criteria provided, single submitter. Criteria: Ambry Variant Classification Scheme 2023. Collection method: clinical testing. Allele origin: germline.
Comment: The c.6647C>T (p.A2216V) alteration is located in exon 37 (coding exon 36) of the VPS13B gene. This alteration results from a C to T substitution at nucleotide position 6647, causing the alanine (A) at amino acid position 2216 to be replaced by a valine (V). Based on data from gnomAD, the T allele has an overall frequency of 0.002% (4/251302) total alleles studied. The highest observed frequency was 0.006% (2/34552) of Latino alleles. Based on insufficient or conflicting evidence, the clinical significance of this alteration remains unclear.

PreventionGenetics, part of Exact Sciences
Classification: Uncertain significance for VPS13B-related condition. Last evaluated: 2024-05-31. Review status: no assertion criteria provided. Collection method: clinical testing. Allele origin: germline. Not counted in ClinVar's aggregate classification.
Comment: The VPS13B c.6572C>T variant is predicted to result in the amino acid substitution p.Ala2191Val. To our knowledge, this variant has not been reported in the literature. This variant is reported in 0.0058% of alleles in individuals of Latino descent in gnomAD. At this time, the clinical significance of this variant is uncertain due to the absence of conclusive functional and genetic evidence.